The following is an entry in ClinVar:

NM_020458.4(TTC7A):c.2103G>C (p.Gln701His)

Gene: TTC7A (tetratricopeptide repeat domain 7A; plus strand). Cytogenetic location: 2p21.
Variant type: single nucleotide variant.
Coding change: c.2103G>C on transcript NM_020458.4 (MANE Select); coding-DNA position 2103, G replaced by C.
Protein change: p.Gln701His; replaces glutamine 701 with histidine.
Molecular consequence: missense variant.
Genome position (GRCh38, 1-based): chr2:47,051,831, G>C. VCF-style: chr2-47051831-G-C. GRCh37 (hg19) VCF-style: chr2-47278970-G-C.
Other names: c.2175G>C, p.Gln725His (NM_001288951.2); c.2001G>C, p.Gln667His (NM_001288953.2); c.1041G>C, p.Gln347His (NM_001288955.2); short protein forms Q347H, Q701H, Q725H, Q667H.
Identifiers: ClinVar variation 1389583 (VCV001389583.6), dbSNP rs2104732951, ClinGen allele CA346713795.
Genomic context (GRCh38, chr2:47,051,831, plus strand): 5'-CGCCTCCCGGCTGGAGGAGGCCATGTCAGAGCTGACTATGCCCTCTTCGGTCCTGAAGCA[G>C]GGCCCCATGCAGCTGTGGACCACGCTGGAACAGATCTGGCTGCAGGCTGGTGAGTGCCCT-3'
Protein context (NP_065191.2, residues 691-711): ELTMPSSVLK[Gln701His]GPMQLWTTLE

ClinVar aggregate classification (germline): Uncertain significance (1 of 4 stars; one submission).

Conditions:
Multiple gastrointestinal atresias. Also called: FAMILIAL INTESTINAL POLYATRESIA SYNDROME; Multiple intestinal atresia. Identifiers: Orphanet 2300, MedGen C0220744, MONDO:0009465.

Submission:

Labcorp Genetics (formerly Invitae), Labcorp
Classification: Uncertain significance for Multiple gastrointestinal atresias. Last evaluated: 2022-07-06. Review status: criteria provided, single submitter. Criteria: Invitae Variant Classification Sherloc (09022015). Collection method: clinical testing. Allele origin: germline.
Comment: This sequence change replaces glutamine, which is neutral and polar, with histidine, which is basic and polar, at codon 701 of the TTC7A protein (p.Gln701His). This variant is not present in population databases (gnomAD no frequency). This variant has not been reported in the literature in individuals affected with TTC7A-related conditions. ClinVar contains an entry for this variant (Variation ID: 1389583). Algorithms developed to predict the effect of missense changes on protein structure and function (SIFT, PolyPhen-2, Align-GVGD) all suggest that this variant is likely to be tolerated. In summary, the available evidence is currently insufficient to determine the role of this variant in disease. Therefore, it has been classified as a Variant of Uncertain Significance.